The following is an entry in ClinVar:

ClinVar aggregate classification (germline): Likely benign (0 of 4 stars; one submission).

Conditions:
UCP3-related disorder. Also called: UCP3-related condition.

gnomAD v4.1: 9 of 1,614,040 alleles (0.00056%); highest among the groups gnomAD compares: South Asian, 0.0011%; no homozygotes.

Submission:

PreventionGenetics, part of Exact Sciences
Classification: Likely benign for UCP3-related condition. Last evaluated: 2023-08-31. Review status: no assertion criteria provided. Collection method: clinical testing. Allele origin: germline.
Comment: This variant is classified as likely benign based on ACMG/AMP sequence variant interpretation guidelines (Richards et al. 2015 PMID: 25741868, with internal and published modifications).

NM_003356.4(UCP3):c.303C>A (p.Ser101=)

Gene: UCP3 (uncoupling protein 3; minus strand). Cytogenetic location: 11q13.4.
Variant type: single nucleotide variant.
Coding change: c.303C>A on transcript NM_003356.4 (MANE Select); coding-DNA position 303, C replaced by A.
Protein change: p.Ser101=; no amino-acid change (serine 101 retained).
Molecular consequence: synonymous variant.
Genome position (GRCh38, 1-based): chr11:74,006,203, G>T on the plus strand (C>A on the coding strand, the complement: UCP3 is on the minus strand). VCF-style: chr11-74006203-G-T. GRCh37 (hg19) VCF-style: chr11-73717248-G-T.
Other names: c.303C>A, p.Ser101= (NM_022803.3).
Identifiers: ClinVar variation 3036207 (VCV003036207.2), dbSNP rs138003678, ClinGen allele CA475873649.
Genomic context (GRCh38, chr11:74,006,203, plus strand): 5'-TGGTGTTCAGGGACCTGGTCACTCACTGTCCGCGCCTTTGGGGGTGTACACCTGCTTGAC[G>T]GAGTCATAGAGGCCGATGCGGATGGAGGCGAAGCTCATCTGGCGCTGCAGGCCGGCCACC-3'
Protein context (NP_003347.1, residues 91-111): FASIRIGLYD[Ser101=]VKQVYTPKGA